The following is an entry in ClinVar:

NM_002887.4(RARS1):c.1789C>G (p.Leu597Val)

Gene: RARS1 (arginyl-tRNA synthetase 1; plus strand). Cytogenetic location: 5q34.
Variant type: single nucleotide variant.
Coding change: c.1789C>G on transcript NM_002887.4 (MANE Select); coding-DNA position 1789, C replaced by G.
Protein change: p.Leu597Val; replaces leucine 597 with valine.
Molecular consequence: missense variant.
Genome position (GRCh38, 1-based): chr5:168,517,978, C>G. VCF-style: chr5-168517978-C-G. GRCh37 (hg19) VCF-style: chr5-167944983-C-G.
Other names: p.Leu597Val; short protein forms L597V.
Identifiers: ClinVar variation 4541089 (VCV004541089.1).
Genomic context (GRCh38, chr5:168,517,978, plus strand): 5'-TGCATTTTACGGTTCCCTGAGATTCTGCAAAAGATTTTAGATGACTTATTTCTCCACACT[C>G]TCTGTGATTATATATATGAGCTGGCAACTGCTTTCACAGAGTTCTATGATAGCTGCTACT-3'
Protein context (NP_002878.2, residues 587-607): KILDDLFLHT[Leu597Val]CDYIYELATA

ClinVar aggregate classification (germline): Uncertain significance (1 of 4 stars; one submission).

gnomAD v4.1: 41 of 1,607,882 alleles (0.0025%); highest among the groups gnomAD compares: Non-Finnish European, 0.0033%; no homozygotes.

Submission:

Mayo Clinic Laboratories, Mayo Clinic
Classification: Uncertain significance. Last evaluated: 2025-02-27. Review status: criteria provided, single submitter. Criteria: ACMG Guidelines, 2015. Collection method: clinical testing. Allele origin: germline. Observed: 1 variant allele.
Comment: PM2_supporting